The following is an entry in ClinVar:

ClinVar aggregate classification (germline): Uncertain significance (1 of 4 stars; one submission).

Conditions:
Multiple endocrine neoplasia, type 1 (MEN1). Also called: MEN I; WERMER SYNDROME; Endocrine adenomatosis multiple; MEN 1; MEA I. Identifiers: Orphanet 652, MedGen C0025267, MeSH D018761, MONDO:0007540, OMIM 131100.

Submission:

Labcorp Genetics (formerly Invitae), Labcorp
Classification: Uncertain significance for Multiple endocrine neoplasia, type 1. Last evaluated: 2020-10-14. Review status: criteria provided, single submitter. Criteria: Invitae Variant Classification Sherloc (09022015). Collection method: clinical testing. Allele origin: germline.
Comment: In summary, the available evidence is currently insufficient to determine the role of this variant in disease. Therefore, it has been classified as a Variant of Uncertain Significance. This sequence change replaces glycine with aspartic acid at codon 505 of the MEN1 protein (p.Gly505Asp). The glycine residue is moderately conserved and there is a moderate physicochemical difference between glycine and aspartic acid. This variant is not present in population databases (ExAC no frequency). This variant has not been reported in the literature in individuals with MEN1-related conditions. Advanced modeling of protein sequence and biophysical properties (such as structural, functional, and spatial information, amino acid conservation, physicochemical variation, residue mobility, and thermodynamic stability) performed at Invitae indicates that this missense variant is not expected to disrupt MEN1 protein function.

NM_001370259.2(MEN1):c.1514G>A (p.Gly505Asp)

Gene: MEN1 (menin 1; minus strand). Cytogenetic location: 11q13.1.
Variant type: single nucleotide variant.
Coding change: c.1514G>A on transcript NM_001370259.2 (MANE Select); coding-DNA position 1514, G replaced by A.
Protein change: p.Gly505Asp; replaces glycine 505 with aspartic acid.
Molecular consequence: missense variant.
Genome position (GRCh38, 1-based): chr11:64,804,653, C>T on the plus strand (G>A on the coding strand, the complement: MEN1 is on the minus strand). VCF-style: chr11-64804653-C-T. GRCh37 (hg19) VCF-style: chr11-64572125-C-T.
Other names: c.1529G>A, p.Gly510Asp (NM_000244.4, NM_130800.3, NM_130801.3 and 3 more transcripts); c.1640G>A, p.Gly547Asp (NM_001370251.2); c.1514G>A, p.Gly505Asp (NM_001370260.2, NM_001370261.2, NM_130799.3); c.1409G>A, p.Gly470Asp (NM_001370262.2, NM_001370263.2); short protein forms G470D, G505D, G510D, G547D.
Identifiers: ClinVar variation 1061967 (VCV001061967.9), dbSNP rs1320934898, ClinGen allele CA381178736.